The following is an entry in ClinVar:

ClinVar aggregate classification (germline): Uncertain significance (1 of 4 stars; one submission).

Allele frequency attached by ClinVar (database versions not stated): gnomAD exomes below 0.00001; gnomAD 0.00001; TOPMed 0.00001.
gnomAD v4.1: 4 of 1,613,888 alleles (0.00025%); highest among the groups gnomAD compares: Non-Finnish European, 0.00025%; no homozygotes.

Submission:

Labcorp Genetics (formerly Invitae), Labcorp
Classification: Uncertain significance. Last evaluated: 2023-08-23. Review status: criteria provided, single submitter. Criteria: Invitae Variant Classification Sherloc (09022015). Collection method: clinical testing. Allele origin: germline.
Comment: This variant is not present in population databases (gnomAD no frequency). This sequence change replaces proline, which is neutral and non-polar, with leucine, which is neutral and non-polar, at codon 797 of the MYO3A protein (p.Pro797Leu). This variant has not been reported in the literature in individuals affected with MYO3A-related conditions. In summary, the available evidence is currently insufficient to determine the role of this variant in disease. Therefore, it has been classified as a Variant of Uncertain Significance. Advanced modeling of protein sequence and biophysical properties (such as structural, functional, and spatial information, amino acid conservation, physicochemical variation, residue mobility, and thermodynamic stability) performed at Invitae indicates that this missense variant is not expected to disrupt MYO3A protein function.

NM_017433.5(MYO3A):c.2390C>T (p.Pro797Leu)

Gene: MYO3A (myosin IIIA; plus strand). Cytogenetic location: 10p12.1.
Variant type: single nucleotide variant.
Coding change: c.2390C>T on transcript NM_017433.5 (MANE Select); coding-DNA position 2390, C replaced by T.
Protein change: p.Pro797Leu; replaces proline 797 with leucine.
Molecular consequence: missense variant.
Genome position (GRCh38, 1-based): chr10:26,143,575, C>T. VCF-style: chr10-26143575-C-T. GRCh37 (hg19) VCF-style: chr10-26432504-C-T.
Other names: short protein forms P797L.
Identifiers: ClinVar variation 3012469 (VCV003012469.3), dbSNP rs1840290669, ClinGen allele CA376334715.